The following is an entry in ClinVar:

ClinVar aggregate classification (germline): Pathogenic (1 of 4 stars; one submission).

Conditions:
Neurofibromatosis, type 1 (NF1). Also called: Neurofibromatosis, type I; NEUROFIBROMATOSIS, TYPE I, SOMATIC; Peripheral type neurofibromatosis; VON RECKLINGHAUSEN DISEASE. Identifiers: Orphanet 636, MedGen C0027831, MONDO:0018975, OMIM 162200. Disease mechanism: loss of function.

Submission:

Labcorp Genetics (formerly Invitae), Labcorp
Classification: Pathogenic for Neurofibromatosis, type 1. Last evaluated: 2023-12-19. Review status: criteria provided, single submitter. Criteria: Invitae Variant Classification Sherloc (09022015). Collection method: clinical testing. Allele origin: germline.
Comment: This sequence change creates a premature translational stop signal (p.Ile679Aspfs*21) in the NF1 gene. It is expected to result in an absent or disrupted protein product. Loss-of-function variants in NF1 are known to be pathogenic (PMID: 10712197, 23913538). This variant is not present in population databases (gnomAD no frequency). This variant has not been reported in the literature in individuals affected with NF1-related conditions. ClinVar contains an entry for this variant (Variation ID: 2044819). For these reasons, this variant has been classified as Pathogenic.

Literature cited by the submitters: PubMed 10712197; PubMed 23913538.

NM_001042492.3(NF1):c.2033_2034insA (p.Ile679fs)

Gene: NF1 (neurofibromin 1; plus strand). Cytogenetic location: 17q11.2.
Variant type: Insertion.
Coding change: c.2033_2034insA on transcript NM_001042492.3 (MANE Select); coding-DNA positions 2033 to 2034, A inserted.
Protein change: p.Ile679fs; shifts the reading frame from isoleucine 679.
Molecular consequence: frameshift variant.
Genome position: GRCh38 VCF-style: chr17-31226466-C-CA. GRCh37 (hg19) VCF-style: chr17-29553484-C-CA.
Other names: c.2033_2034insA, p.Ile679Aspfs (NM_000267.4); short protein forms I679fs.
Identifiers: ClinVar variation 2044819 (VCV002044819.4), dbSNP rs2508154702, ClinGen allele CA1139532163.